The following is an entry in ClinVar:

NM_000051.4(ATM):c.5319+6T>G

Gene: ATM (ATM serine/threonine kinase; plus strand). Cytogenetic location: 11q22.3.
Variant type: single nucleotide variant.
Coding change: c.5319+6T>G on transcript NM_000051.4 (MANE Select); 6 bases into the intron after coding-DNA position 5319, T replaced by G.
Molecular consequence: intron variant.
Genome position (GRCh38, 1-based): chr11:108,301,795, T>G. VCF-style: chr11-108301795-T-G. GRCh37 (hg19) VCF-style: chr11-108172522-T-G.
Other names: c.5319+6T>G (NM_001351834.2).
Identifiers: ClinVar variation 3723858 (VCV003723858.2).
Genomic context (GRCh38, chr11:108,301,795, plus strand): 5'-GACAACAGATCCAATGCTGGCCTATCTACAGCCTTTTAGAACATCAAGAAAAAAGGTCTC[T>G]TAAGTAATAAATGTTTATTGAATACCCAGCATATCTAAAACAGTTCTGTTTGCTGTGGGT-3'

ClinVar aggregate classification (germline): Uncertain significance (1 of 4 stars; one submission).

Conditions:
Ataxia-telangiectasia syndrome (AT). Also called: ATAXIA-TELANGIECTASIA, COMPLEMENTATION GROUP A; ATAXIA-TELANGIECTASIA, FRESNO VARIANT; Ataxia-telangiectasia; Ataxia-telangiectasia, complementation group E; Ataxia telangiectasia (A-T); LOUIS-BAR SYNDROME. Identifiers: Orphanet 100, MedGen C0004135, MONDO:0008840, OMIM 208900.

Submission:

Labcorp Genetics (formerly Invitae), Labcorp
Classification: Uncertain significance for Ataxia-telangiectasia syndrome. Last evaluated: 2024-10-27. Review status: criteria provided, single submitter. Criteria: Invitae Variant Classification Sherloc (09022015). Collection method: clinical testing. Allele origin: germline.
Comment: This sequence change falls in intron 35 of the ATM gene. It does not directly change the encoded amino acid sequence of the ATM protein. It affects a nucleotide within the consensus splice site. This variant is not present in population databases (gnomAD no frequency). This variant has not been reported in the literature in individuals affected with ATM-related conditions. Variants that disrupt the consensus splice site are a relatively common cause of aberrant splicing (PMID: 17576681, 9536098). Algorithms developed to predict the effect of sequence changes on RNA splicing suggest that this variant may disrupt the consensus splice site. In summary, the available evidence is currently insufficient to determine the role of this variant in disease. Therefore, it has been classified as a Variant of Uncertain Significance.

Literature cited by the submitters: PubMed 17576681; PubMed 9536098.